The following is an entry in ClinVar:

NM_001267550.2(TTN):c.60197C>T (p.Pro20066Leu)

Genes: TTN (titin; minus strand), TTN-AS1 (TTN antisense RNA 1; plus strand), LOC126806424 (CDK7 strongly-dependent group 2 enhancer GRCh37_chr2:179456337-179457536; plus strand). Cytogenetic location: 2q31.2.
Variant type: single nucleotide variant.
Coding change: c.60197C>T on transcript NM_001267550.2 (MANE Select); coding-DNA position 60197, C replaced by T.
Protein change: p.Pro20066Leu; replaces proline 20066 with leucine.
Molecular consequence: missense variant.
Genome position (GRCh38, 1-based): chr2:178,591,622, G>A on the plus strand (C>T on the coding strand, the complement: TTN is on the minus strand). VCF-style: chr2-178591622-G-A. GRCh37 (hg19) VCF-style: chr2-179456349-G-A.
Other names: p.P18425L:CCG>CTG; c.55274C>T, p.Pro18425Leu (NM_001256850.1); c.52493C>T, p.Pro17498Leu (NM_133378.4); c.33002C>T, p.Pro11001Leu (NM_003319.4); c.33377C>T, p.Pro11126Leu (NM_133432.3); c.33578C>T, p.Pro11193Leu (NM_133437.4); c.60197C>T (NM_001267550.1); short protein forms P18425L, P20066L, P17498L, P11126L, P11193L, P11001L.
Identifiers: ClinVar variation 202749 (VCV000202749.13), dbSNP rs750217838, ClinGen allele CA310167.

ClinVar aggregate classification (germline): Conflicting classifications of pathogenicity. Review status: criteria provided, conflicting classifications (1 of 4 stars). 8 submissions from 8 submitters: Uncertain significance (6); Likely benign (1). 1 of the submissions does not count toward it. Last evaluated 2026-07-13.

Conditions:
TTN-related disorder. Also called: TTN-related condition; TTN-related disease; TTN-related disorders.
Dilated cardiomyopathy 1G (CMD1G). Identifiers: Orphanet 154, MedGen C1858763, MONDO:0011400, OMIM 604145.
Autosomal recessive limb-girdle muscular dystrophy type 2J (LGMDR10). Also called: Limb-girdle muscular dystrophy, type 2J; MUSCULAR DYSTROPHY, LIMB-GIRDLE, AUTOSOMAL RECESSIVE 10. Identifiers: Orphanet 140922, MedGen C1837342, MONDO:0012127, OMIM 608807.
Cardiomyopathy (CMYO). Also called: Cardiomyopathies. Identifiers: Orphanet 167848, MedGen C0878544, MONDO:0004994, HP:0001638. Inheritance: Various modes of inheritance.

Allele frequency attached by ClinVar (database versions not stated): gnomAD exomes 0.00003 and 0.00007; ExAC 0.00006; gnomAD 0.00011 and 0.00012; TOPMed 0.00014.
gnomAD v4.1: 71 of 1,612,572 alleles (0.0044%); highest among the groups gnomAD compares: Middle Eastern, 0.033%; 1 homozygote.

Submissions (8):

PreventionGenetics, part of Exact Sciences
Classification: Uncertain significance for TTN-related condition. Last evaluated: 2026-07-13. Review status: criteria provided, single submitter. Criteria: ACMG Guidelines, 2015. Collection method: clinical testing. Allele origin: germline.
Comment: The TTN c.60197C>T variant is predicted to result in the amino acid substitution p.Pro20066Leu. This variant has been reported in an infant who died suddenly at rest (referred to as c.52493C>T, p.Pro17498Leu from transcript NM_133378 in Campuzano et al. 2018. PubMed ID: 30086531) and in a patient with arrhythmogenic cardiomyopathy (Supplemental Table 2, Poloni et al. 2019. PubMed ID: 30453078). This variant is reported in 0.028% of alleles in individuals of Latino descent in gnomAD and is interpreted as uncertain in ClinVar (Variation ID: 202749). At this time, the clinical significance of this variant is uncertain due to the absence of conclusive functional and genetic evidence.

Revvity Omics, Revvity
Classification: Uncertain significance. Last evaluated: 2024-12-02. Review status: criteria provided, single submitter. Criteria: ACMG Guidelines, 2015. Collection method: clinical testing. Allele origin: germline.

Blueprint Genetics
Classification: Likely benign. Last evaluated: 2024-09-13. Review status: criteria provided, single submitter. Criteria: ACMG Guidelines, 2015. Collection method: clinical testing. Allele origin: germline.

Athena Diagnostics
Classification: Uncertain significance. Last evaluated: 2021-07-29. Review status: criteria provided, single submitter. Criteria: Athena Diagnostics Criteria. Collection method: clinical testing. Allele origin: unknown.

CHEO Genetics Diagnostic Laboratory, Children's Hospital of Eastern Ontario
Classification: Uncertain significance for Cardiomyopathy. Last evaluated: 2021-05-27. Review status: criteria provided, single submitter. Criteria: ACMG Guidelines, 2015. Collection method: clinical testing. Allele origin: germline.

Labcorp Genetics (formerly Invitae), Labcorp
Classification: Uncertain significance for Dilated cardiomyopathy 1G; Autosomal recessive limb-girdle muscular dystrophy type 2J. Last evaluated: 2017-05-31. Review status: criteria provided, single submitter. Criteria: Invitae Variant Classification Sherloc (09022015). Collection method: clinical testing. Allele origin: germline.

Laboratory for Molecular Medicine, Mass General Brigham Personalized Medicine
Classification: Uncertain significance. Last evaluated: 2015-04-04. Review status: criteria provided, single submitter. Criteria: LMM Criteria. Collection method: clinical testing. Allele origin: germline. Observed: 1 variant allele.
Comment: The p.Pro17498Leu variant in TTN has not been reported in individuals with cardi omyopathy, but has been identified in 3/66678 European chromosomes and 2/11540 L atino chromosomes by the Exome Aggregation Consortium (ExAC). Computational prediction and conservation analyses suggest that th is variant may impact the protein, though this information is not predictive eno ugh to determine pathogenicity. In summary, the clinical significance of the p.P ro17498Leu variant is uncertain.

GeneDx
No classification provided. Last evaluated: 2014-06-16. Review status: no classification provided. Criteria: GeneDx Variant Classification (06012015). Collection method: clinical testing. Allele origin: germline. Affected: yes. Not counted in ClinVar's aggregate classification.
Comment: Missense variants in the TTN gene are considered 'unclassified' if they are not previously reported in the literature and do not have >1% frequency in the population to be considered a polymorphism. Research indicates that truncating mutations in the TTN gene are expected to account for approximately 25% of familial and 18% of sporadic idiopathic DCM; however, truncating variants in the TTN gene have been reported in approximately 3% of reported control alleles. There has been little investigation into non-truncating variants. (Herman D et al. Truncations of titin causing dilated cardiomyopathy. N Eng J Med 366:619-628, 2012) The variant is found in DCM-CRDM panel(s).

Literature cited by the submitters: PubMed 30086531 (cited by Athena Diagnostics).